The following is an entry in ClinVar:

ClinVar aggregate classification (germline): Pathogenic (1 of 4 stars; one submission).

Submission:

Labcorp Genetics (formerly Invitae), Labcorp
Classification: Pathogenic. Last evaluated: 2024-10-22. Review status: criteria provided, single submitter. Criteria: Invitae Variant Classification Sherloc (09022015). Collection method: clinical testing. Allele origin: germline.
Comment: This sequence change creates a premature translational stop signal (p.Pro64Leufs*10) in the ARL2BP gene. It is expected to result in an absent or disrupted protein product. Loss-of-function variants in ARL2BP are known to be pathogenic (PMID: 23849777, 27790702, 29718757, 30210231). This variant is not present in population databases (gnomAD no frequency). This variant has not been reported in the literature in individuals affected with ARL2BP-related conditions. ClinVar contains an entry for this variant (Variation ID: 1928800). For these reasons, this variant has been classified as Pathogenic.

Literature cited by the submitters: PubMed 23849777; PubMed 27790702; PubMed 29718757; PubMed 30210231.

NM_012106.4(ARL2BP):c.191del (p.Pro64fs)

Gene: ARL2BP (ARF like GTPase 2 binding protein; plus strand). Cytogenetic location: 16q13.
Variant type: Deletion.
Coding change: c.191del on transcript NM_012106.4 (MANE Select); coding-DNA position 191, one base deleted (C; older notation c.191delC).
Protein change: p.Pro64fs; shifts the reading frame from proline 64.
Molecular consequence: frameshift variant.
Genome position (GRCh38, 1-based): chr16:57,248,627, C deleted; the last of 2 consecutive C bases (chr16:57,248,626-57,248,627); deleting either gives the same sequence. VCF-style (leftmost placement, unchanged base first): chr16-57248625-AC-A. GRCh37 (hg19) VCF-style: chr16-57282537-AC-A.
Other names: short protein forms P64fs.
Identifiers: ClinVar variation 1928800 (VCV001928800.5), dbSNP rs1286765014, ClinGen allele CA622348529.
Genomic context (GRCh38, chr16:57,248,625, plus strand): 5'-TTTCATGGACAAGTACTACCTGGAGTTTGAAGACACAGAAGAGAATAAACTCATCTACAC[AC>A]CTATTTTTAATGAATACGTAAGTAGATTTCTATGTCTCCTACCAGGAGGTCAGAGTTTTT-3'